The following is an entry in ClinVar:

ClinVar aggregate classification (germline): Uncertain significance (1 of 4 stars; one submission).

gnomAD v4.1: 5 of 1,613,378 alleles (0.00031%); highest among the groups gnomAD compares: East Asian, 0.0022%; no homozygotes.

Submission:

Labcorp Genetics (formerly Invitae), Labcorp
Classification: Uncertain significance. Last evaluated: 2025-05-12. Review status: criteria provided, single submitter. Criteria: Invitae Variant Classification Sherloc (09022015). Collection method: clinical testing. Allele origin: germline.
Comment: This sequence change replaces proline, which is neutral and non-polar, with leucine, which is neutral and non-polar, at codon 1989 of the COL7A1 protein (p.Pro1989Leu). This variant is not present in population databases (gnomAD no frequency). This variant has not been reported in the literature in individuals affected with COL7A1-related conditions. Invitae Evidence Modeling of protein sequence and biophysical properties (such as structural, functional, and spatial information, amino acid conservation, physicochemical variation, residue mobility, and thermodynamic stability) indicates that this missense variant is not expected to disrupt COL7A1 protein function with a negative predictive value of 95%. In summary, the available evidence is currently insufficient to determine the role of this variant in disease. Therefore, it has been classified as a Variant of Uncertain Significance.

NM_000094.4(COL7A1):c.5966C>T (p.Pro1989Leu)

Gene: COL7A1 (collagen type VII alpha 1 chain; minus strand). Cytogenetic location: 3p21.31.
Variant type: single nucleotide variant.
Coding change: c.5966C>T on transcript NM_000094.4 (MANE Select); coding-DNA position 5966, C replaced by T.
Protein change: p.Pro1989Leu; replaces proline 1989 with leucine.
Molecular consequence: missense variant.
Genome position (GRCh38, 1-based): chr3:48,575,639, G>A on the plus strand (C>T on the coding strand, the complement: COL7A1 is on the minus strand). VCF-style: chr3-48575639-G-A. GRCh37 (hg19) VCF-style: chr3-48613072-G-A.
Other names: short protein forms P1989L.
Identifiers: ClinVar variation 4810840 (VCV004810840.1).